The following is an entry in ClinVar:

NM_003590.5(CUL3):c.2030-3T>C

Gene: CUL3 (cullin 3; minus strand). Cytogenetic location: 2q36.2.
Variant type: single nucleotide variant.
Coding change: c.2030-3T>C on transcript NM_003590.5 (MANE Select); 3 bases into the intron before coding-DNA position 2030, T replaced by C.
Molecular consequence: intron variant.
Genome position (GRCh38, 1-based): chr2:224,478,348, A>G on the plus strand (T>C on the coding strand, the complement: CUL3 is on the minus strand). VCF-style: chr2-224478348-A-G. GRCh37 (hg19) VCF-style: chr2-225343065-A-G.
Other names: c.1832-3T>C (NM_001257197.2); c.2048-3T>C (NM_001257198.2).
Identifiers: ClinVar variation 1907128 (VCV001907128.5), dbSNP rs1394913111, ClinGen allele CA539858022.

ClinVar aggregate classification (germline): Uncertain significance (1 of 4 stars; one submission).

Allele frequency attached by ClinVar (database versions not stated): gnomAD exomes below 0.00001.
gnomAD v4.1: 3 of 1,604,622 alleles (0.00019%); highest among the groups gnomAD compares: Middle Eastern, 0.017%; no homozygotes.

Submission:

Labcorp Genetics (formerly Invitae), Labcorp
Classification: Uncertain significance. Last evaluated: 2025-05-05. Review status: criteria provided, single submitter. Criteria: Invitae Variant Classification Sherloc (09022015). Collection method: clinical testing. Allele origin: germline.
Comment: This sequence change falls in intron 14 of the CUL3 gene. It does not directly change the encoded amino acid sequence of the CUL3 protein. It affects a nucleotide within the consensus splice site. This variant is present in population databases (no rsID available, gnomAD 0.003%). This variant has not been reported in the literature in individuals affected with CUL3-related conditions. ClinVar contains an entry for this variant (Variation ID: 1907128). Variants that disrupt the consensus splice site are a relatively common cause of aberrant splicing (PMID: 17576681, 9536098). Algorithms developed to predict the effect of sequence changes on RNA splicing suggest that this variant is not likely to affect RNA splicing. In summary, the available evidence is currently insufficient to determine the role of this variant in disease. Therefore, it has been classified as a Variant of Uncertain Significance.

Literature cited by the submitters: PubMed 17576681; PubMed 9536098.